The following is an entry in ClinVar:

NM_133259.4(LRPPRC):c.15G>A (p.Leu5=)

Gene: LRPPRC (leucine rich pentatricopeptide repeat containing; minus strand). Cytogenetic location: 2p21.
Variant type: single nucleotide variant.
Coding change: c.15G>A on transcript NM_133259.4 (MANE Select); coding-DNA position 15, G replaced by A.
Protein change: p.Leu5=; no amino-acid change (leucine 5 retained).
Molecular consequence: synonymous variant.
Genome position (GRCh38, 1-based): chr2:43,995,933, C>T on the plus strand (G>A on the coding strand, the complement: LRPPRC is on the minus strand). VCF-style: chr2-43995933-C-T. GRCh37 (hg19) VCF-style: chr2-44223072-C-T.
Other names: c.15G>A (NM_133259.3).
Identifiers: ClinVar variation 1135738 (VCV001135738.10), dbSNP rs1015613805, ClinGen allele CA46458505.

ClinVar aggregate classification (germline): Conflicting classifications of pathogenicity. Review status: criteria provided, conflicting classifications (1 of 4 stars). 2 submissions from 2 submitters: Uncertain significance (1); Likely benign (1). Last evaluated 2024-04-12.

Allele frequency attached by ClinVar (database versions not stated): gnomAD exomes 0.00001; gnomAD 0.00005 and 0.00006; TOPMed 0.00005.
gnomAD v4.1: 19 of 1,525,030 alleles (0.0012%); highest among the groups gnomAD compares: African/African-American, 0.021%; no homozygotes.

Submissions (2):

GeneDx
Classification: Uncertain significance. Last evaluated: 2024-04-12. Review status: criteria provided, single submitter. Criteria: GeneDx Variant Classification Process June 2021. Collection method: clinical testing. Allele origin: germline. Affected: yes.
Comment: In silico analysis indicates that this variant does not alter splicing; Has not been previously published as pathogenic or benign to our knowledge

Labcorp Genetics (formerly Invitae), Labcorp
Classification: Likely benign. Last evaluated: 2024-03-19. Review status: criteria provided, single submitter. Criteria: Invitae Variant Classification Sherloc (09022015). Collection method: clinical testing. Allele origin: germline.